The following is an entry in ClinVar:

NM_002294.3(LAMP2):c.1193T>C (p.Ile398Thr)

Gene: LAMP2 (lysosome associated membrane protein 2; minus strand). Cytogenetic location: Xq24.
Variant type: single nucleotide variant.
Coding change: c.1193T>C on transcript NM_002294.3 (MANE Select); coding-DNA position 1193, T replaced by C.
Protein change: p.Ile398Thr; replaces isoleucine 398 with threonine.
Molecular consequence: missense variant. On other transcripts: intron variant (1).
Genome position (GRCh38, 1-based): chrX:120,431,363, A>G on the plus strand (T>C on the coding strand, the complement: LAMP2 is on the minus strand). VCF-style: chrX-120431363-A-G. GRCh37 (hg19) VCF-style: chrX-119565218-A-G.
Other names: c.1094-2737T>C (NM_001122606.1); short protein forms I398T.
Identifiers: ClinVar variation 179100 (VCV000179100.14), dbSNP rs727504625, ClinGen allele CA183726.
Genomic context (GRCh38, chrX:120,431,363, plus strand): 5'-AATCAATCAGGTTGCAGATTCTAAAATTGCTCATATCCAGCATGATGGTGCTTGAGACCA[A>G]TAAAATAAGCCAGCAACACTAGAATAAGTACTCCTGCCAAGGCAGCTCCCACCGCTATGG-3'
Protein context (NP_002285.1, residues 388-408): VLILVLLAYF[Ile398Thr]GLKHHHAGYE

ClinVar aggregate classification (germline): Uncertain significance. Review status: criteria provided, multiple submitters, no conflicts (2 of 4 stars). 4 submissions from 4 submitters: Uncertain significance (4). Last evaluated 2025-04-09.

Conditions:
Cardiovascular phenotype. Identifiers: MedGen CN230736.
Danon disease. Also called: PSEUDOGLYCOGENOSIS II; Glycogen Storage Disease Type IIb; ANTOPOL DISEASE; GSD IIb; LYSOSOMAL GLYCOGEN STORAGE DISEASE WITHOUT ACID MALTASE DEFICIENCY. Identifiers: Orphanet 34587, MedGen C0878677, MONDO:0010281, OMIM 300257.

Allele frequency attached by ClinVar (database versions not stated): gnomAD exomes below 0.00001; TOPMed below 0.00001.
gnomAD v4.1: 1 of 1,210,559 alleles (0.000083%); highest among the groups gnomAD compares: Non-Finnish European, 0.00011%; no homozygotes.

Submissions (4):

Molecular Diagnostic Laboratory for Inherited Cardiovascular Disease, Montreal Heart Institute
Classification: Uncertain significance for Cardiovascular phenotype. Last evaluated: 2025-04-09. Review status: criteria provided, single submitter. Criteria: ACMG Guidelines, 2015. Collection method: clinical testing. Allele origin: germline. Affected: yes.
Comment: PM2, PP3, BP1

Labcorp Genetics (formerly Invitae), Labcorp
Classification: Uncertain significance for Danon disease. Last evaluated: 2025-03-30. Review status: criteria provided, single submitter. Criteria: Invitae Variant Classification Sherloc (09022015). Collection method: clinical testing. Allele origin: germline.
Comment: This sequence change replaces isoleucine, which is neutral and non-polar, with threonine, which is neutral and polar, at codon 398 of the LAMP2 protein (p.Ile398Thr). This variant is not present in population databases (gnomAD no frequency). This variant has not been reported in the literature in individuals affected with LAMP2-related conditions. ClinVar contains an entry for this variant (Variation ID: 179100). Invitae Evidence Modeling of protein sequence and biophysical properties (such as structural, functional, and spatial information, amino acid conservation, physicochemical variation, residue mobility, and thermodynamic stability) indicates that this missense variant is expected to disrupt LAMP2 protein function with a positive predictive value of 80%. In summary, the available evidence is currently insufficient to determine the role of this variant in disease. Therefore, it has been classified as a Variant of Uncertain Significance.

GeneDx
Classification: Uncertain significance. Last evaluated: 2023-12-15. Review status: criteria provided, single submitter. Criteria: GeneDx Variant Classification Process June 2021. Collection method: clinical testing. Allele origin: germline. Affected: yes.
Comment: Has not been previously published as pathogenic or benign to our knowledge; Not observed at significant frequency in large population cohorts (gnomAD); In silico analysis supports that this missense variant has a deleterious effect on protein structure/function

Laboratory for Molecular Medicine, Mass General Brigham Personalized Medicine
Classification: Uncertain significance. Last evaluated: 2013-07-31. Review status: criteria provided, single submitter. Criteria: LMM Criteria. Collection method: clinical testing. Allele origin: germline. Observed: 1 variant allele.
Comment: The Ile398Thr variant in LAMP2 has not been reported in individuals with cardiom yopathy or in large population studies. Computational analyses (biochemical amin o acid properties, conservation, AlignGVGD, PolyPhen2, and SIFT) suggest that th is variant may impact the protein, though this information is not predictive eno ugh to determine pathogenicity. Of note, pathogenic missense variants are very r are in the LAMP2 gene (most disease causing variants cause a truncated or absent protein).Additional information is needed to fully assess the clinical signific ance of this variant.